The following is an entry in ClinVar:

NM_001130021.3(ATP6V0A1):c.1328T>C (p.Val443Ala)

Gene: ATP6V0A1 (ATPase H+ transporting V0 subunit a1; plus strand). Cytogenetic location: 17q21.2.
Variant type: single nucleotide variant.
Coding change: c.1328T>C on transcript NM_001130021.3 (MANE Select); coding-DNA position 1328, T replaced by C.
Protein change: p.Val443Ala; replaces valine 443 with alanine.
Molecular consequence: missense variant. On other transcripts: intron variant (1).
Genome position (GRCh38, 1-based): chr17:42,495,047, T>C. VCF-style: chr17-42495047-T-C. GRCh37 (hg19) VCF-style: chr17-40647065-T-C.
Other names: c.1115T>C, p.Val372Ala (NM_001378546.1, NM_001378547.1); c.1148T>C, p.Val383Ala (NM_001378549.1); c.1220T>C, p.Val407Ala (NM_001378550.1, NM_001378556.1, NM_001378536.1); c.1451T>C, p.Val484Ala (NM_001378551.1, NM_001378552.1, NM_001378530.1 and 1 more transcripts); c.1118T>C, p.Val373Ala (NM_001378554.1, NM_001378545.1); c.1328T>C, p.Val443Ala (NM_001378557.1, NM_005177.5, NM_001378535.1 and 3 more transcripts); c.1314+574T>C (NM_001378548.1); c.1349T>C, p.Val450Ala (NM_001130020.3, NM_001378522.1, NM_001378523.1 and 3 more transcripts); and 3 more; short protein forms V372A, V373A, V383A, V390A, V400A, V407A, V443A, V450A.
Identifiers: ClinVar variation 4883432 (VCV004883432.2).

ClinVar aggregate classification (germline): Uncertain significance (1 of 4 stars; one submission).

Submission:

Dasa
Classification: Uncertain significance. Last evaluated: 2024-12-09. Review status: criteria provided, single submitter. Criteria: DASA Assertion Criteria. Collection method: clinical testing. Allele origin: germline.
Comment: NM_001130021.3(ATP6V0A1):c.1328T>C (p.Val443Ala) is a missense variant that results in the substitution of valine with alanine. This variant is absent from population databases. The currently available literature and clinical evidence are not sufficient to establish a definitive association between this variant and the reported condition. Therefore, this variant is classified as a variant of uncertain significance.